The following is an entry in ClinVar:

NM_001100913.3(PACS2):c.539A>G (p.Asp180Gly)

Gene: PACS2 (phosphofurin acidic cluster sorting protein 2; plus strand). Cytogenetic location: 14q32.33.
Variant type: single nucleotide variant.
Coding change: c.539A>G on transcript NM_001100913.3 (MANE Select); coding-DNA position 539, A replaced by G.
Protein change: p.Asp180Gly; replaces aspartic acid 180 with glycine.
Molecular consequence: missense variant.
Genome position (GRCh38, 1-based): chr14:105,367,328, A>G. VCF-style: chr14-105367328-A-G. GRCh37 (hg19) VCF-style: chr14-105833665-A-G.
Other names: c.338A>G, p.Asp113Gly (NM_001243127.3); c.539A>G, p.Asp180Gly (NM_015197.4); short protein forms D113G, D180G.
Identifiers: ClinVar variation 3625763 (VCV003625763.2).

ClinVar aggregate classification (germline): Uncertain significance (1 of 4 stars; one submission).

Submission:

Labcorp Genetics (formerly Invitae), Labcorp
Classification: Uncertain significance. Last evaluated: 2025-04-07. Review status: criteria provided, single submitter. Criteria: Invitae Variant Classification Sherloc (09022015). Collection method: clinical testing. Allele origin: germline.
Comment: This sequence change replaces aspartic acid, which is acidic and polar, with glycine, which is neutral and non-polar, at codon 180 of the PACS2 protein (p.Asp180Gly). This variant is present in population databases (rs782410632, gnomAD 0.0009%). This variant has not been reported in the literature in individuals affected with PACS2-related conditions. ClinVar contains an entry for this variant (Variation ID: 3625763). An algorithm developed to predict the effect of missense changes on protein structure and function (PolyPhen-2) suggests that this variant is likely to be disruptive. In summary, the available evidence is currently insufficient to determine the role of this variant in disease. Therefore, it has been classified as a Variant of Uncertain Significance.